The following is an entry in ClinVar:

ClinVar aggregate classification (germline): Uncertain significance (1 of 4 stars; one submission).

Allele frequency attached by ClinVar (database versions not stated): gnomAD 0.00001 and 0.00005; ExAC 0.00002; gnomAD exomes 0.00002 and 0.00003; TOPMed 0.00002.
gnomAD v4.1: 57 of 1,614,084 alleles (0.0035%); highest among the groups gnomAD compares: East Asian, 0.071%; no homozygotes.

Submission:

Labcorp Genetics (formerly Invitae), Labcorp
Classification: Uncertain significance. Last evaluated: 2025-11-25. Review status: criteria provided, single submitter. Criteria: Invitae Variant Classification Sherloc (09022015). Collection method: clinical testing. Allele origin: germline.
Comment: This sequence change replaces valine, which is neutral and non-polar, with isoleucine, which is neutral and non-polar, at codon 283 of the LRRC8A protein (p.Val283Ile). This variant is present in population databases (rs569164485, gnomAD 0.02%). This variant has not been reported in the literature in individuals affected with LRRC8A-related conditions. ClinVar contains an entry for this variant (Variation ID: 1406104). An algorithm developed to predict the effect of missense changes on protein structure and function (PolyPhen-2) suggests that this variant is likely to be tolerated. In summary, the available evidence is currently insufficient to determine the role of this variant in disease. Therefore, it has been classified as a Variant of Uncertain Significance.

NM_019594.4(LRRC8A):c.847G>A (p.Val283Ile)

Gene: LRRC8A (leucine rich repeat containing 8 VRAC subunit A; plus strand). Cytogenetic location: 9q34.11.
Variant type: single nucleotide variant.
Coding change: c.847G>A on transcript NM_019594.4 (MANE Select); coding-DNA position 847, G replaced by A.
Protein change: p.Val283Ile; replaces valine 283 with isoleucine.
Molecular consequence: missense variant.
Genome position (GRCh38, 1-based): chr9:128,908,011, G>A. VCF-style: chr9-128908011-G-A. GRCh37 (hg19) VCF-style: chr9-131670290-G-A.
Other names: c.847G>A, p.Val283Ile (NM_001127244.2, NM_001127245.2); short protein forms V283I.
Identifiers: ClinVar variation 1406104 (VCV001406104.6), dbSNP rs569164485, ClinGen allele CA5270781.